The following is an entry in ClinVar:

NM_018418.5(SPATA7):c.3G>A (p.Met1Ile)

Genes: SPATA7 (spermatogenesis associated 7; plus strand), LOC130056226 (ATAC-STARR-seq lymphoblastoid active region 8840; plus strand). Cytogenetic location: 14q31.3.
Variant type: single nucleotide variant.
Coding change: c.3G>A on transcript NM_018418.5 (MANE Select); coding-DNA position 3, G replaced by A.
Protein change: p.Met1Ile; changes the start codon (methionine 1).
Molecular consequence: missense variant, initiator codon variant.
Genome position (GRCh38, 1-based): chr14:88,385,821, G>A. VCF-style: chr14-88385821-G-A. GRCh37 (hg19) VCF-style: chr14-88852165-G-A.
Other names: c.3G>A, p.Met1Ile (NM_001040428.4); short protein forms M1I.
Identifiers: ClinVar variation 844972 (VCV000844972.21), dbSNP rs200244203, ClinGen allele CA7298306.

ClinVar aggregate classification (germline): Likely pathogenic. Review status: criteria provided, multiple submitters, no conflicts (2 of 4 stars). 7 submissions from 7 submitters: Likely pathogenic (5). 2 of the submissions do not count toward it. Last evaluated 2026-04-20.

Conditions:
Leber congenital amaurosis (LCA). Also called: Leber's amaurosis. Identifiers: Orphanet 65, MedGen C0339527, MeSH D057130, MONDO:0018998.
Leber congenital amaurosis 3 (LCA3). Also called: SPATA7-Related Retinitis Pigmentosa. Identifiers: MedGen C1858677, MONDO:0011415, OMIM 604232.
SPATA7-related disorder. Also called: SPATA7-related condition; SPATA7-related disorders. Identifiers: MedGen CN239422.

Allele frequency attached by ClinVar (database versions not stated): TOPMed 0.00002; ESP Exome Variant Server 0.00008.

Submissions (7):

PreventionGenetics, part of Exact Sciences
Classification: Likely pathogenic for SPATA7-related condition. Last evaluated: 2026-04-20. Review status: criteria provided, single submitter. Criteria: ACMG Guidelines, 2015. Collection method: clinical testing. Allele origin: germline.
Comment: The SPATA7 c.3G>A variant is predicted to disrupt the translation initiation site (Start loss). This variant has been reported along with a second SPATA7 variant in individuals with retinal disease (Neveling et al. 2012. PubMed ID: 22334370; Table S1, Weisschuh et al. 2024. PubMed ID: 37734845). This variant is present in 0.010% of alleles in individuals of European (Non-Finnish) descent in gnomAD. This variant is interpreted as likely pathogenic.

Labcorp Genetics (formerly Invitae), Labcorp
Classification: Likely pathogenic for Leber congenital amaurosis 3. Last evaluated: 2026-01-17. Review status: criteria provided, single submitter. Criteria: Invitae Variant Classification Sherloc (09022015). Collection method: clinical testing. Allele origin: germline.
Comment: This sequence change affects the initiator codon of the SPATA7 mRNA. This change may impact translation initiation or efficiency. The next in-frame methionine is located at codon 52. This variant is present in population databases (rs200244203, gnomAD 0.01%). Disruption of the initiator codon has been observed in individuals with retinitis pigmentosa (PMID: 22334370, 37734845). ClinVar contains an entry for this variant (Variation ID: 844972). Experimental studies and prediction algorithms are not available or were not evaluated, and the functional significance of this variant is currently unknown. This variant disrupts a region of the SPATA7 protein in which other variant(s) (p.Val7Leu) have been observed in individuals with SPATA7-related conditions (internal data). This suggests that this is a clinically significant region of the protein, and that variants that disrupt it are likely to be disease-causing. In summary, the currently available evidence indicates that the variant is pathogenic, but additional data are needed to prove that conclusively. Therefore, this variant has been classified as Likely Pathogenic.

Women's Health and Genetics/Laboratory Corporation of America, LabCorp
Classification: Likely pathogenic for Leber congenital amaurosis. Last evaluated: 2024-10-17. Review status: criteria provided, single submitter. Criteria: LabCorp Variant Classification Summary - May 2015. Collection method: clinical testing. Allele origin: germline.
Comment: Variant summary: SPATA7 c.3G>A (p.Met1Ile) alters the initiation codon and is predicted to result either in absence of the protein or truncation of the encoded protein due to translation initiation at a downstream codon. An alternative downstream in-frame start codon (Met52) is located in exon 3 of the encoded protein. An activation of potential downstream translation initiation at this site would result in a shortened protein missing the first 51 amino acids from the protein sequence. Other presumably pathogenic truncating variants have been reported upstream of this alternate initiation codon in the HGMD or internal database (example, c.20_21delTC, p.Val7Glufs*16, c.136C>T, p.Gln46X). The variant allele was found at a frequency of 4.7e-05 in 233902 control chromosomes. This frequency is not significantly higher than estimated for a pathogenic variant in SPATA7 causing Leber Congenital Amaurosis (4.7e-05 vs 0.00087), allowing no conclusion about variant significance. c.3G>A has been reported in the literature in at least two compound heterozygous individuals affected with retinitis pigmentosa (e.g., Neveling_2012, Weisschuh_2024). These data indicate that the variant may be associated with disease. To our knowledge, no experimental evidence demonstrating an impact on protein function has been reported. The following publications have been ascertained in the context of this evaluation (PMID: 24265693, 22334370, 37734845). ClinVar contains an entry for this variant (Variation ID: 844972). Based on the evidence outlined above, the variant was classified as likely pathogenic.

Blueprint Genetics
Classification: Likely pathogenic for SPATA7-related disorders. Last evaluated: 2023-07-18. Review status: criteria provided, single submitter. Criteria: ACMG Guidelines, 2015. Collection method: clinical testing. Allele origin: germline. Affected: yes. Observed: 5 variant alleles.

Institute of Medical Genetics and Applied Genomics, University Hospital Tübingen
Classification: Likely pathogenic. Last evaluated: 2021-02-01. Review status: criteria provided, single submitter. Criteria: ACMG Guidelines, 2015. Collection method: clinical testing. Allele origin: germline. Inheritance: Autosomal recessive inheritance. Affected: yes.

Clinical Genetics DNA and cytogenetics Diagnostics Lab, Erasmus MC, Erasmus Medical Center
Classification: Pathogenic. Review status: no assertion criteria provided. Collection method: clinical testing. Allele origin: germline. Affected: yes. Study: VKGL Data-share Consensus. Not counted in ClinVar's aggregate classification.

Joint Genome Diagnostic Labs from Nijmegen and Maastricht, Radboudumc and MUMC+
Classification: Pathogenic. Review status: no assertion criteria provided. Collection method: clinical testing. Allele origin: germline. Affected: yes. Study: VKGL Data-share Consensus. Not counted in ClinVar's aggregate classification.

Literature cited by the submitters: PubMed 22334370 (cited by Labcorp Genetics (formerly Invitae), Labcorp and Women's Health and Genetics/Laboratory Corporation of America, LabCorp); PubMed 37734845 (cited by Labcorp Genetics (formerly Invitae), Labcorp and Women's Health and Genetics/Laboratory Corporation of America, LabCorp); PubMed 24265693 (cited by Women's Health and Genetics/Laboratory Corporation of America, LabCorp).